The following is an entry in ClinVar:

NM_001040142.2(SCN2A):c.1729C>T (p.Leu577Phe)

Gene: SCN2A (sodium voltage-gated channel alpha subunit 2; plus strand). Cytogenetic location: 2q24.3.
Variant type: single nucleotide variant.
Coding change: c.1729C>T on transcript NM_001040142.2 (MANE Select); coding-DNA position 1729, C replaced by T.
Protein change: p.Leu577Phe; replaces leucine 577 with phenylalanine.
Molecular consequence: missense variant.
Genome position (GRCh38, 1-based): chr2:165,323,213, C>T. VCF-style: chr2-165323213-C-T. GRCh37 (hg19) VCF-style: chr2-166179723-C-T.
Other names: c.1729C>T, p.Leu577Phe (NM_001040143.2, NM_001371246.1, NM_001371247.1 and 1 more transcripts); short protein forms L577F.
Identifiers: ClinVar variation 3753658 (VCV003753658.2).

ClinVar aggregate classification (germline): Uncertain significance (1 of 4 stars; one submission).

Conditions:
Developmental and epileptic encephalopathy, 11 (DEE11). Also called: Early infantile epileptic encephalopathy 11. Identifiers: Orphanet 1934, MedGen C3150987, MONDO:0013388, OMIM 613721.
Seizures, benign familial infantile, 3 (BFIS3). Also called: CONVULSIONS, BENIGN FAMILIAL INFANTILE, 3; Familial neonatal seizures. Identifiers: Orphanet 140927, Orphanet 306, MedGen C1843140, MONDO:0011904, OMIM 607745.

gnomAD v4.1: 2 of 1,614,068 alleles (0.00012%); highest among the groups gnomAD compares: Non-Finnish European, 0.00017%; no homozygotes.

Submission:

Labcorp Genetics (formerly Invitae), Labcorp
Classification: Uncertain significance for Seizures, benign familial infantile, 3; Developmental and epileptic encephalopathy, 11. Last evaluated: 2024-07-01. Review status: criteria provided, single submitter. Criteria: Invitae Variant Classification Sherloc (09022015). Collection method: clinical testing. Allele origin: germline.
Comment: This sequence change replaces leucine, which is neutral and non-polar, with phenylalanine, which is neutral and non-polar, at codon 577 of the SCN2A protein (p.Leu577Phe). This variant is not present in population databases (gnomAD no frequency). This variant has not been reported in the literature in individuals affected with SCN2A-related conditions. Advanced modeling of protein sequence and biophysical properties (such as structural, functional, and spatial information, amino acid conservation, physicochemical variation, residue mobility, and thermodynamic stability) has been performed at Invitae for this missense variant, however the output from this modeling did not meet the statistical confidence thresholds required to predict the impact of this variant on SCN2A protein function. In summary, the available evidence is currently insufficient to determine the role of this variant in disease. Therefore, it has been classified as a Variant of Uncertain Significance.